The following is an entry in ClinVar:

ClinVar aggregate classification (germline): Likely benign (0 of 4 stars; one submission).

Conditions:
SEMA3A-related disorder. Also called: SEMA3A-related condition.

Submission:

PreventionGenetics, part of Exact Sciences
Classification: Likely benign for SEMA3A-related condition. Last evaluated: 2022-11-15. Review status: no assertion criteria provided. Collection method: clinical testing. Allele origin: germline.
Comment: This variant is classified as likely benign based on ACMG/AMP sequence variant interpretation guidelines (Richards et al. 2015 PMID: 25741868, with internal and published modifications).

NM_006080.3(SEMA3A):c.112+9T>A

Gene: SEMA3A (semaphorin 3A; minus strand). Cytogenetic location: 7q21.11.
Variant type: single nucleotide variant.
Coding change: c.112+9T>A on transcript NM_006080.3 (MANE Select); 9 bases into the intron after coding-DNA position 112, T replaced by A.
Molecular consequence: intron variant.
Genome position (GRCh38, 1-based): chr7:84,194,466, A>T on the plus strand (T>A on the coding strand, the complement: SEMA3A is on the minus strand). VCF-style: chr7-84194466-A-T. GRCh37 (hg19) VCF-style: chr7-83823782-A-T.
Identifiers: ClinVar variation 3357394 (VCV003357394.1).